The following is an entry in ClinVar:

ClinVar aggregate classification (germline): Uncertain significance. Review status: criteria provided, multiple submitters, no conflicts (2 of 4 stars). 4 submissions from 4 submitters: Uncertain significance (3). 1 of the submissions does not count toward it. Last evaluated 2025-08-18.

Conditions:
Neuromuscular disease caused by qualitative or quantitative defects of dysferlin. Also called: Dysferlinopathy; Qualitative or quantitative defects of dysferlin. Identifiers: Orphanet 207073, MedGen C2931687, MONDO:0016145.
Autosomal recessive limb-girdle muscular dystrophy. Identifiers: Orphanet 102015, MedGen C2931907, MONDO:0015152.
Autosomal recessive limb-girdle muscular dystrophy type 2B (LGMDR2). Also called: MUSCULAR DYSTROPHY, LIMB-GIRDLE, TYPE 3; Limb-girdle muscular dystrophy, type 2B; MUSCULAR DYSTROPHY, LIMB-GIRDLE, AUTOSOMAL RECESSIVE 2; Limb-Girdle Muscular Dystrophy Type 2B (LGMD2B). Identifiers: Orphanet 268, MedGen C1850889, MONDO:0009676, OMIM 253601.

Allele frequency attached by ClinVar (database versions not stated): ExAC 0.00002; gnomAD exomes 0.00003 and 0.00007; gnomAD 0.00005 and 0.00006; TOPMed 0.00009.

Submissions (4):

Myriad Genetics, Inc.
Classification: Uncertain significance for Autosomal recessive limb-girdle muscular dystrophy. Last evaluated: 2025-08-18. Review status: criteria provided, single submitter. Criteria: Myriad Autosomal Dominant, Autosomal Recessive and X-Linked Classification Criteria (2023). Collection method: clinical testing. Allele origin: unknown.
Comment: NM_003494.3(DYSF):c.2540G>A(R847Q) is a missense variant classified as a variant of uncertain significance in the context of dysferlinopathy. R847Q has been observed in a case with relevant disease (PMID: 39678382). Relevant functional assessments of this variant are not available in the literature. R847Q has been observed in referenced population frequency databases. In summary, there is insufficient evidence to classify NM_003494.3(DYSF):c.2540G>A(R847Q) as pathogenic or benign. Please note: this variant was assessed in the context of healthy population screening.

Labcorp Genetics (formerly Invitae), Labcorp
Classification: Uncertain significance for Neuromuscular disease caused by qualitative or quantitative defects of dysferlin. Last evaluated: 2022-09-07. Review status: criteria provided, single submitter. Criteria: Invitae Variant Classification Sherloc (09022015). Collection method: clinical testing. Allele origin: germline.
Comment: This sequence change replaces arginine, which is basic and polar, with glutamine, which is neutral and polar, at codon 847 of the DYSF protein (p.Arg847Gln). This variant is present in population databases (rs781777155, gnomAD 0.003%). This variant has not been reported in the literature in individuals affected with DYSF-related conditions. ClinVar contains an entry for this variant (Variation ID: 538636). Advanced modeling of protein sequence and biophysical properties (such as structural, functional, and spatial information, amino acid conservation, physicochemical variation, residue mobility, and thermodynamic stability) performed at Invitae indicates that this missense variant is not expected to disrupt DYSF protein function. Algorithms developed to predict the effect of sequence changes on RNA splicing suggest that this variant may create or strengthen a splice site. In summary, the available evidence is currently insufficient to determine the role of this variant in disease. Therefore, it has been classified as a Variant of Uncertain Significance.

CeGaT Center for Human Genetics Tuebingen
Classification: Uncertain significance. Last evaluated: 2021-05-01. Review status: criteria provided, single submitter. Criteria: CeGaT Center For Human Genetics Tuebingen Variant Classification Criteria Version 2. Collection method: clinical testing. Allele origin: germline. Affected: yes. Observed: 1 variant allele.

Natera, Inc.
Classification: Uncertain significance for Limb-girdle muscular dystrophy type 2B. Last evaluated: 2019-10-28. Review status: no assertion criteria provided. Collection method: clinical testing. Allele origin: germline. Not counted in ClinVar's aggregate classification.

Literature cited by the submitters: PubMed 39678382 (cited by Myriad Genetics, Inc.).

NM_001130987.2(DYSF):c.2594G>A (p.Arg865Gln)

Gene: DYSF (dysferlin; plus strand). Cytogenetic location: 2p13.2.
Variant type: single nucleotide variant.
Coding change: c.2594G>A on transcript NM_001130987.2 (MANE Select); coding-DNA position 2594, G replaced by A.
Protein change: p.Arg865Gln; replaces arginine 865 with glutamine.
Molecular consequence: missense variant.
Genome position (GRCh38, 1-based): chr2:71,567,979, G>A. VCF-style: chr2-71567979-G-A. GRCh37 (hg19) VCF-style: chr2-71795109-G-A.
Other names: c.2543G>A, p.Arg848Gln (NM_001130455.2, NM_001130983.2); c.2498G>A, p.Arg833Gln (NM_001130976.2, NM_001130977.2); c.2540G>A, p.Arg847Gln (NM_001130978.2, NM_003494.4); c.2633G>A, p.Arg878Gln (NM_001130979.2); c.2591G>A, p.Arg864Gln (NM_001130980.2, NM_001130981.2); c.2636G>A, p.Arg879Gln (NM_001130982.2); c.2501G>A, p.Arg834Gln (NM_001130984.2, NM_001130986.2); c.2594G>A, p.Arg865Gln (NM_001130985.2); short protein forms R847Q, R865Q, R834Q, R848Q, R879Q, R833Q, R864Q, R878Q.
Identifiers: ClinVar variation 538636 (VCV000538636.39), dbSNP rs781777155, ClinGen allele CA1706232.
Genomic context (GRCh38, chr2:71,567,979, plus strand): 5'-ACTGTGGGTTTCTGTCCTTCTCTGGTACCCAGTATCCGATGGAGAAGGTGCCTGGCGCCC[G>A]GATGCCAGTGCAGATACGGGTCAAGCTGTGGTTTGGGCTCTCAGTGGATGAGAAGGAGTT-3'
Protein context (NP_001124459.1, residues 855-875): KYPMEKVPGA[Arg865Gln]MPVQIRVKLW